The following is an entry in ClinVar:

NM_002471.4(MYH6):c.1138G>A (p.Glu380Lys)

Gene: MYH6 (myosin heavy chain 6; minus strand). Cytogenetic location: 14q11.2.
Variant type: single nucleotide variant.
Coding change: c.1138G>A on transcript NM_002471.4 (MANE Select); coding-DNA position 1138, G replaced by A.
Protein change: p.Glu380Lys; replaces glutamic acid 380 with lysine.
Molecular consequence: missense variant.
Genome position (GRCh38, 1-based): chr14:23,402,467, C>T on the plus strand (G>A on the coding strand, the complement: MYH6 is on the minus strand). VCF-style: chr14-23402467-C-T. GRCh37 (hg19) VCF-style: chr14-23871676-C-T.
Other names: short protein forms E380K.
Identifiers: ClinVar variation 958487 (VCV000958487.12), dbSNP rs768924353, ClinGen allele CA7115897.
Genomic context (GRCh38, chr14:23,402,467, plus strand): 5'-CAGAGAGCCTGGTCAGCACCTCAGGCCTTCCCAGGGCTGCCTGCCTGCCCCTCCCACCTT[C>T]GGTGCCGTCTGGCTCCGCCTGCTCCTCCCGCTGCTTCTGCTTGAACTTCATGTTCCCGTA-3'
Protein context (NP_002462.2, residues 370-390): REEQAEPDGT[Glu380Lys]DADKSAYLMG

ClinVar aggregate classification (germline): Uncertain significance. Review status: criteria provided, multiple submitters, no conflicts (2 of 4 stars). 3 submissions from 3 submitters: Uncertain significance (2). 1 of the submissions does not count toward it. Last evaluated 2025-09-14.

Conditions:
MYH6-related disorder. Also called: MYH6-related condition; MYH6-Related Disorders.
Atrial septal defect 3 (ASD3). Identifiers: Orphanet 1478, MedGen C3279790, MONDO:0013567, OMIM 614089.
Hypertrophic cardiomyopathy 14. Identifiers: MedGen C2750467, MONDO:0013197, OMIM 613251.
Hypertrophic cardiomyopathy 1 (CMH1). Also called: MYH7-Related Familial Hypertrophic Cardiomyopathy; Familial hypertrophic cardiomyopathy 1. Identifiers: MedGen C3495498, MONDO:0008647, OMIM 192600.
Sick sinus syndrome 3, susceptibility to (SSS3). Identifiers: Orphanet 166282, MedGen C3279791, MONDO:0013568, OMIM 614090.
Dilated cardiomyopathy 1EE (CMD1EE). Identifiers: Orphanet 154, MedGen C2750466, MONDO:0013198, OMIM 613252.

gnomAD v4.1: 12 of 1,613,064 alleles (0.00074%); highest among the groups gnomAD compares: Middle Eastern, 0.018%; no homozygotes.

Submissions (3):

Labcorp Genetics (formerly Invitae), Labcorp
Classification: Uncertain significance for Hypertrophic cardiomyopathy 14. Last evaluated: 2025-09-14. Review status: criteria provided, single submitter. Criteria: Invitae Variant Classification Sherloc (09022015). Collection method: clinical testing. Allele origin: germline.
Comment: This sequence change replaces glutamic acid, which is acidic and polar, with lysine, which is basic and polar, at codon 380 of the MYH6 protein (p.Glu380Lys). This variant is not present in population databases (gnomAD no frequency). This missense change has been observed in individual(s) with sudden cardiac arrest (PMID: 30975432). ClinVar contains an entry for this variant (Variation ID: 958487). Invitae Evidence Modeling of protein sequence and biophysical properties (such as structural, functional, and spatial information, amino acid conservation, physicochemical variation, residue mobility, and thermodynamic stability) indicates that this missense variant is expected to disrupt MYH6 protein function with a positive predictive value of 80%. In summary, the available evidence is currently insufficient to determine the role of this variant in disease. Therefore, it has been classified as a Variant of Uncertain Significance.

Fulgent Genetics
Classification: Uncertain significance for Hypertrophic cardiomyopathy 1; Hypertrophic cardiomyopathy 14; Dilated cardiomyopathy 1EE; Atrial septal defect 3; Sick sinus syndrome 3, susceptibility to. Last evaluated: 2021-08-31. Review status: criteria provided, single submitter. Criteria: ACMG Guidelines, 2015. Collection method: clinical testing. Allele origin: unknown.

PreventionGenetics, part of Exact Sciences
Classification: Uncertain significance for MYH6-related condition. Last evaluated: 2023-11-07. Review status: no assertion criteria provided. Collection method: clinical testing. Allele origin: germline. Not counted in ClinVar's aggregate classification.
Comment: The MYH6 c.1138G>A variant is predicted to result in the amino acid substitution p.Glu380Lys. This variant has been reported as de novo in an individual with double outlet right ventricle (Tables S2, Hayes et al. 2023. PubMed ID: 37417234). This variant has also been reported in an individual with sudden cardiac arrest (Asatryan et al. 2019. PubMed ID: 30975432). This variant has not been reported in a large population database, indicating this variant is rare. Although we suspect that this variant may be pathogenic, at this time, the clinical significance of this variant is uncertain due to the absence of conclusive functional and genetic evidence.

Literature cited by the submitters: PubMed 30975432 (cited by Labcorp Genetics (formerly Invitae), Labcorp).